The following is an entry in ClinVar:

ClinVar aggregate classification (germline): Uncertain significance. Review status: criteria provided, multiple submitters, no conflicts (2 of 4 stars). 3 submissions from 3 submitters: Uncertain significance (3). Last evaluated 2025-10-19.

Conditions:
Hereditary cancer-predisposing syndrome. Also called: Hereditary Cancer Syndrome; Neoplastic Syndromes, Hereditary; Hereditary neoplastic syndrome; Tumor predisposition. Identifiers: Orphanet 140162, MedGen C0027672, MeSH D009386, MONDO:0015356.
Multiple endocrine neoplasia type 4. Also called: MULTIPLE ENDOCRINE NEOPLASIA, TYPE IV. Identifiers: Orphanet 276152, MedGen C1970712, MONDO:0012552, OMIM 610755.

Allele frequency attached by ClinVar (database versions not stated): gnomAD exomes below 0.00001.
gnomAD v4.1: 1 of 1,614,222 alleles (0.000062%); highest among the groups gnomAD compares: Non-Finnish European, 0.000085%; no homozygotes.

Submissions (3):

Labcorp Genetics (formerly Invitae), Labcorp
Classification: Uncertain significance for Multiple endocrine neoplasia type 4. Last evaluated: 2025-10-19. Review status: criteria provided, single submitter. Criteria: Invitae Variant Classification Sherloc (09022015). Collection method: clinical testing. Allele origin: germline.
Comment: This sequence change replaces glutamine, which is neutral and polar, with arginine, which is basic and polar, at codon 65 of the CDKN1B protein (p.Gln65Arg). This variant is not present in population databases (gnomAD no frequency). This variant has not been reported in the literature in individuals affected with CDKN1B-related conditions. ClinVar contains an entry for this variant (Variation ID: 820387). An algorithm developed to predict the effect of missense changes on protein structure and function outputs the following: PolyPhen-2: "Benign". The arginine amino acid residue is found in multiple mammalian species, which suggests that this missense change does not adversely affect protein function. In summary, the available evidence is currently insufficient to determine the role of this variant in disease. Therefore, it has been classified as a Variant of Uncertain Significance.

Ambry Genetics
Classification: Uncertain significance for Hereditary cancer-predisposing syndrome. Last evaluated: 2024-08-24. Review status: criteria provided, single submitter. Criteria: Ambry Variant Classification Scheme 2023. Collection method: clinical testing. Allele origin: germline.
Comment: The p.Q65R variant (also known as c.194A>G), located in coding exon 1 of the CDKN1B gene, results from an A to G substitution at nucleotide position 194. The glutamine at codon 65 is replaced by arginine, an amino acid with highly similar properties. This amino acid position is not well conserved in available vertebrate species. In addition, this alteration is predicted to be tolerated by in silico analysis. Since supporting evidence is limited at this time, the clinical significance of this alteration remains unclear.

Baylor Genetics
Classification: Uncertain significance for Multiple endocrine neoplasia type 4. Last evaluated: 2023-07-07. Review status: criteria provided, single submitter. Criteria: ACMG Guidelines, 2015. Collection method: clinical testing. Allele origin: unknown.

NM_004064.5(CDKN1B):c.194A>G (p.Gln65Arg)

Gene: CDKN1B (cyclin dependent kinase inhibitor 1B; plus strand). Cytogenetic location: 12p13.1.
Variant type: single nucleotide variant.
Coding change: c.194A>G on transcript NM_004064.5 (MANE Select); coding-DNA position 194, A replaced by G.
Protein change: p.Gln65Arg; replaces glutamine 65 with arginine.
Molecular consequence: missense variant.
Genome position (GRCh38, 1-based): chr12:12,718,033, A>G. VCF-style: chr12-12718033-A-G. GRCh37 (hg19) VCF-style: chr12-12870967-A-G.
Other names: short protein forms Q65R.
Identifiers: ClinVar variation 820387 (VCV000820387.16), dbSNP rs1592280892, ClinGen allele CA383969401.